The following is an entry in ClinVar:

NM_000059.4(BRCA2):c.8342del (p.Asn2781fs)

Gene: BRCA2 (BRCA2 DNA repair associated; plus strand). Cytogenetic location: 13q13.1.
Variant type: Deletion.
Coding change: c.8342del on transcript NM_000059.4 (MANE Select); coding-DNA position 8342, one base deleted (A; older notation c.8342delA).
Protein change: p.Asn2781fs; shifts the reading frame from asparagine 2781.
Molecular consequence: frameshift variant.
Genome position (GRCh38, 1-based): chr13:32,370,412, A deleted; the last of 2 consecutive A bases (chr13:32,370,411-32,370,412); deleting either gives the same sequence. VCF-style (leftmost placement, unchanged base first): chr13-32370410-TA-T. GRCh37 (hg19) VCF-style: chr13-32944547-TA-T.
Other names: c.8246delA, p.Asn2749Thrfs (NM_001406719.1); c.8342delA, p.Asn2781Thrfs (NM_001406720.1); c.3410delA, p.Asn1137Thrfs (NM_001406721.1); c.1925delA, p.Asn642Thrfs (NM_001406722.1); short protein forms N2781fs.
Identifiers: ClinVar variation 1763002 (VCV001763002.2), dbSNP rs2137596415, ClinGen allele CA2580087351.

ClinVar aggregate classification (germline): Pathogenic (1 of 4 stars; one submission).

Conditions:
Hereditary cancer-predisposing syndrome. Also called: Neoplastic Syndromes, Hereditary; Tumor predisposition; Hereditary Cancer Syndrome; Hereditary neoplastic syndrome. Identifiers: Orphanet 140162, MedGen C0027672, MeSH D009386, MONDO:0015356.

Submission:

Ambry Genetics
Classification: Pathogenic for Hereditary cancer-predisposing syndrome. Last evaluated: 2017-07-13. Review status: criteria provided, single submitter. Criteria: Ambry Variant Classification Scheme 2023. Collection method: clinical testing. Allele origin: germline.
Comment: The c.8342delA pathogenic mutation, located in coding exon 18 of the BRCA2 gene, results from a deletion of one nucleotide at nucleotide position 8342, causing a translational frameshift with a predicted alternate stop codon (p.N2781Tfs*40). This alteration is expected to result in loss of function by premature protein truncation or nonsense-mediated mRNA decay. As such, this alteration is interpreted as a disease-causing mutation.